The following is an entry in ClinVar:

ClinVar aggregate classification (germline): Uncertain significance. Review status: criteria provided, multiple submitters, no conflicts (2 of 4 stars). 2 submissions from 2 submitters: Uncertain significance (2). Last evaluated 2025-10-02.

Conditions:
Emery-Dreifuss muscular dystrophy (EDMD). Also called: Scapuloperoneal syndrome, X-linked (formerly); Humeroperoneal neuromuscular disease, (formerly). Identifiers: Orphanet 261, MedGen C0410189, MONDO:0016830.

Allele frequency attached by ClinVar (database versions not stated): ExAC 0.00003; gnomAD exomes 0.00004 and 0.00006; TOPMed 0.00006; gnomAD 0.00005.
gnomAD v4.1: 95 of 1,608,554 alleles (0.0059%); highest among the groups gnomAD compares: Non-Finnish European, 0.0075%; no homozygotes.

Submissions (2):

Labcorp Genetics (formerly Invitae), Labcorp
Classification: Uncertain significance for Emery-Dreifuss muscular dystrophy. Last evaluated: 2025-10-02. Review status: criteria provided, single submitter. Criteria: Invitae Variant Classification Sherloc (09022015). Collection method: clinical testing. Allele origin: germline.
Comment: This sequence change replaces serine, which is neutral and polar, with glycine, which is neutral and non-polar, at codon 55 of the SUN1 protein (p.Ser55Gly). This variant is present in population databases (rs777193403, gnomAD 0.007%). This variant has not been reported in the literature in individuals affected with SUN1-related conditions. ClinVar contains an entry for this variant (Variation ID: 647532). An algorithm developed to predict the effect of missense changes on protein structure and function (PolyPhen-2) suggests that this variant is likely to be disruptive. In summary, the available evidence is currently insufficient to determine the role of this variant in disease. Therefore, it has been classified as a Variant of Uncertain Significance.

Ambry Genetics
Classification: Uncertain significance. Last evaluated: 2025-09-28. Review status: criteria provided, single submitter. Criteria: Ambry Variant Classification Scheme 2023. Collection method: clinical testing. Allele origin: germline.

NM_001130965.3(SUN1):c.163A>G (p.Ser55Gly)

Gene: SUN1 (Sad1 and UNC84 domain containing 1; plus strand). Cytogenetic location: 7p22.3.
Variant type: single nucleotide variant.
Coding change: c.163A>G on transcript NM_001130965.3 (MANE Select); coding-DNA position 163, A replaced by G.
Protein change: p.Ser55Gly; replaces serine 55 with glycine.
Molecular consequence: missense variant. On other transcripts: 5 prime UTR variant (2), non-coding transcript variant (3), intron variant (2).
Genome position (GRCh38, 1-based): chr7:838,883, A>G. VCF-style: chr7-838883-A-G. GRCh37 (hg19) VCF-style: chr7-878520-A-G.
Other names: c.163A>G, p.Ser55Gly (NM_001171944.2, NM_001171946.2, NM_001367633.1 and 34 more transcripts); c.226A>G, p.Ser76Gly (NM_001171945.2); c.-295A>G (NM_001367635.1); c.13A>G, p.Ser5Gly (NM_001367636.1, NM_001367637.1, NM_001367644.1 and 24 more transcripts); c.382A>G, p.Ser128Gly (NM_001367651.1); c.-599A>G (NM_001367658.1); c.78-3063A>G (NM_001367695.1); c.-301-3063A>G (NM_001367639.1); short protein forms S128G, S76G, S5G, S55G.
Identifiers: ClinVar variation 647532 (VCV000647532.11), dbSNP rs777193403, ClinGen allele CA4111399.